The following is an entry in ClinVar:

ClinVar aggregate classification (germline): Uncertain significance. Review status: criteria provided, multiple submitters, no conflicts (2 of 4 stars). 6 submissions from 5 submitters: Uncertain significance (5). 1 of the submissions does not count toward it. Last evaluated 2025-04-01.

Conditions:
Maturity-onset diabetes of the young (MODY). Also called: Maturity onset diabetes mellitus in young. Identifiers: Orphanet 552, MedGen C0342276, MONDO:0018911, HP:0004904.
Hyperinsulinemic hypoglycemia, familial, 1 (HHF1). Also called: Persistent hyperinsulinemic hypoglycemia of infancy; HYPERINSULINISM, FAMILIAL, WITH PANCREATIC NESIDIOBLASTOSIS; HYPOGLYCEMIA, HYPERINSULINEMIC, OF INFANCY; NESIDIOBLASTOSIS OF PANCREAS; Persistent Hyperinsulinemia Hypoglycemia of Infancy. Identifiers: Orphanet 276575, Orphanet 276598, MedGen C2931832, MONDO:0009734, OMIM 256450.
Transitory neonatal diabetes mellitus. Also called: Transient neonatal diabetes mellitus. Identifiers: MedGen C0342273, MONDO:0020525, HP:0008255.

Allele frequency attached by ClinVar (database versions not stated): gnomAD exomes below 0.00001 and 0.00001.
gnomAD v4.1: 6 of 1,604,450 alleles (0.00037%); highest among the groups gnomAD compares: Non-Finnish European, 0.00043%; no homozygotes.

Submissions (6):

GeneDx
Classification: Uncertain significance. Last evaluated: 2025-04-01. Review status: criteria provided, single submitter. Criteria: GeneDx Variant Classification Process June 2021. Collection method: clinical testing. Allele origin: germline. Affected: yes.
Comment: Not observed at significant frequency in large population cohorts (gnomAD); In silico analysis supports that this missense variant has a deleterious effect on protein structure/function; This variant is associated with the following publications: (PMID: 32792356, 16613899, 27538677, 18025408, 18981553, 21989597, 32027066, 16885549, 23275527)

Women's Health and Genetics/Laboratory Corporation of America, LabCorp
Classification: Uncertain significance. Last evaluated: 2023-12-14. Review status: criteria provided, single submitter. Criteria: LabCorp Variant Classification Summary - May 2015. Collection method: clinical testing. Allele origin: germline.
Comment: Variant summary: ABCC8 c.524T>A (p.Leu175Gln) results in a non-conservative amino acid change in the encoded protein sequence. Five of five in-silico tools predict a damaging effect of the variant on protein function. The variant allele was found at a frequency of 4.3e-06 in 231976 control chromosomes (gnomAD). The available data on variant occurrences in the general population are insufficient to allow any conclusion about variant significance. c.524T>A has been reported in the literature in at-least one individual affected with Congenital Hyperinsulinism (example: Snider_2013). This report does not provide unequivocal conclusions about association of the variant with Congenital Hyperinsulinism. To our knowledge, no experimental evidence demonstrating an impact on protein function has been reported. The following publication has been ascertained in the context of this evaluation (PMID: 23275527). Two submitters have cited clinical-significance assessments for this variant to ClinVar after 2014. All submitters classified the variant as uncertain significance. Based on the evidence outlined above, the variant was classified as uncertain significance.

Broad Center for Mendelian Genomics, Broad Institute of MIT and Harvard
Classification: Uncertain significance for Hyperinsulinemic hypoglycemia, familial, 1. Last evaluated: 2023-08-16. Review status: criteria provided, single submitter. Criteria: ACMG Guidelines, 2015. Collection method: curation. Allele origin: germline. Inheritance: Autosomal recessive inheritance.
Comment: The p.Leu175Gln variant in ABCC8 has been previously reported in 1 individual with hyperinsulinemic hypoglycemia (PMID: 23275527), and has been seen in 0.001% (1/104792) of European (non-Finnish) chromosomes by the Genome Aggregation Database (gnomAD; dbSNP: rs1554943599). Although this variant has been seen in the general population in a heterozygous state, its frequency is low enough to be consistent with a recessive carrier frequency. This variant has also been reported in ClinVar (Variation ID: 557284) and has been interpreted as a variant of uncertain significance by Counsyl and Clinical Genomics (Uppaluri K&H Personalized Medicine Clinic). Computational prediction tools and conservation analyses suggest that this variant may impact the protein, though this information is not predictive enough to determine pathogenicity. In summary, the clinical significance of the p.Leu175Gln variant is uncertain. ACMG/AMP Criteria applied: PP3, PM2_supporting (Richards 2015).

Clinical Genomics, Uppaluri K&H Personalized Medicine Clinic
Classification: Uncertain significance for Maturity-onset diabetes of the young. Review status: criteria provided, single submitter. Criteria: K & H Uppaluri Personalized Medicine Clinic Variant Classification & Assertion Criteria_Updated V.1. Collection method: research. Allele origin: unknown. Inheritance: Somatic mutation.
Comment: Mutations in ABCC8 gene are associated with both neonatal diabetes mellitus as well as MODY. Patients with this mutation may have a better response to sulfonylureas. However, no sufficient evidence is found to ascertain the role of this particular variant ( rs1554943599) in MODY yet.

Clinical Genomics, Uppaluri K&H Personalized Medicine Clinic
Classification: Uncertain significance for Transitory neonatal diabetes mellitus. Review status: criteria provided, single submitter. Criteria: K & H Uppaluri Personalized Medicine Clinic Variant Classification & Assertion Criteria_Updated V.1. Collection method: research. Allele origin: unknown. Inheritance: Somatic mutation.
Comment: Mutations in ABCC8 gene are associated with both neonatal diabetes mellitus as well as MODY. Patients with this mutation may have a better response to sulfonylureas. However, no sufficient evidence is found to ascertain the role of this particular variant ( rs1554943599) in neonatal diabetes yet.

Counsyl
Classification: Uncertain significance for Hyperinsulinemic hypoglycemia, familial, 1. Last evaluated: 2018-03-14. Review status: no assertion criteria provided. Collection method: clinical testing. Allele origin: unknown. Not counted in ClinVar's aggregate classification.

Literature cited by the submitters: PubMed 23275527 (cited by Women's Health and Genetics/Laboratory Corporation of America, LabCorp and Counsyl); PubMed 16885549 (cited by Clinical Genomics, Uppaluri K&H Personalized Medicine Clinic); PubMed 21989597 (cited by Clinical Genomics, Uppaluri K&H Personalized Medicine Clinic); PubMed 27538677 (cited by Clinical Genomics, Uppaluri K&H Personalized Medicine Clinic); PubMed 18981553 (cited by Clinical Genomics, Uppaluri K&H Personalized Medicine Clinic); PubMed 32027066 (cited by Clinical Genomics, Uppaluri K&H Personalized Medicine Clinic); PubMed 16613899 (cited by Clinical Genomics, Uppaluri K&H Personalized Medicine Clinic); PubMed 18025408 (cited by Clinical Genomics, Uppaluri K&H Personalized Medicine Clinic); PubMed 32792356 (cited by Clinical Genomics, Uppaluri K&H Personalized Medicine Clinic).

NM_000352.6(ABCC8):c.524T>A (p.Leu175Gln)

Gene: ABCC8 (ATP binding cassette subfamily C member 8; minus strand). Cytogenetic location: 11p15.1.
Variant type: single nucleotide variant.
Coding change: c.524T>A on transcript NM_000352.6 (MANE Select); coding-DNA position 524, T replaced by A.
Protein change: p.Leu175Gln; replaces leucine 175 with glutamine.
Molecular consequence: missense variant. On other transcripts: non-coding transcript variant (1).
Genome position (GRCh38, 1-based): chr11:17,463,493, A>T on the plus strand (T>A on the coding strand, the complement: ABCC8 is on the minus strand). VCF-style: chr11-17463493-A-T. GRCh37 (hg19) VCF-style: chr11-17485040-A-T.
Other names: NM_000352.6(ABCC8):c.524T>A; p.Leu175Gln; c.524T>A, p.Leu175Gln (NM_001287174.3, NM_001351295.2, NM_001351296.2 and 1 more transcripts); short protein forms L175Q.
Identifiers: ClinVar variation 557284 (VCV000557284.7), dbSNP rs1554943599, ClinGen allele CA379779965.